The following is an entry in ClinVar:

ClinVar aggregate classification (germline): Uncertain significance (1 of 4 stars; one submission).

Conditions:
Inclusion body myopathy with Paget disease of bone and frontotemporal dementia. Also called: Inclusion body myopathy with early-onset Paget disease and frontotemporal dementia. Identifiers: Orphanet 52430, MedGen C1833662, MONDO:0000507.
Frontotemporal dementia and/or amyotrophic lateral sclerosis 6 (FTDALS6). Also called: VCP-Related Amyotrophic Lateral Sclerosis; VCP-Related Amyotrophic Lateral Sclerosis/Frontotemporal Dementia. Identifiers: Orphanet 275872, Orphanet 803, MedGen C5436279, MONDO:0013501, OMIM 613954.

gnomAD v4.1: 4 of 1,614,198 alleles (0.00025%); highest among the groups gnomAD compares: Non-Finnish European, 0.00025%; no homozygotes.

Submission:

Labcorp Genetics (formerly Invitae), Labcorp
Classification: Uncertain significance for Inclusion body myopathy with Paget disease of bone and frontotemporal dementia; Frontotemporal dementia and/or amyotrophic lateral sclerosis 6. Last evaluated: 2025-08-24. Review status: criteria provided, single submitter. Criteria: Invitae Variant Classification Sherloc (09022015). Collection method: clinical testing. Allele origin: germline.
Comment: This sequence change replaces isoleucine, which is neutral and non-polar, with valine, which is neutral and non-polar, at codon 301 of the VCP protein (p.Ile301Val). This variant is not present in population databases (gnomAD no frequency). This variant has not been reported in the literature in individuals affected with VCP-related conditions. Invitae Evidence Modeling of protein sequence and biophysical properties (such as structural, functional, and spatial information, amino acid conservation, physicochemical variation, residue mobility, and thermodynamic stability) indicates that this missense variant is not expected to disrupt VCP protein function with a negative predictive value of 80%. In summary, the available evidence is currently insufficient to determine the role of this variant in disease. Therefore, it has been classified as a Variant of Uncertain Significance.

NM_007126.5(VCP):c.901A>G (p.Ile301Val)

Gene: VCP (valosin containing protein; minus strand). Cytogenetic location: 9p13.3.
Variant type: single nucleotide variant.
Coding change: c.901A>G on transcript NM_007126.5 (MANE Select); coding-DNA position 901, A replaced by G.
Protein change: p.Ile301Val; replaces isoleucine 301 with valine.
Molecular consequence: missense variant.
Genome position (GRCh38, 1-based): chr9:35,062,261, T>C on the plus strand (A>G on the coding strand, the complement: VCP is on the minus strand). VCF-style: chr9-35062261-T-C. GRCh37 (hg19) VCF-style: chr9-35062258-T-C.
Other names: c.766A>G, p.Ile256Val (NM_001354927.2, NM_001354928.2); short protein forms I256V, I301V.
Identifiers: ClinVar variation 4791125 (VCV004791125.1).
Genomic context (GRCh38, chr9:35,062,261, plus strand): 5'-TCAGGTAAGCTCCTACTTTCTCTCTTTTGGGAGCGATGGCATCTAGCTCATCAATGAAGA[T>C]GATGGCAGGAGCATTCTTCTCAGCCTCCTCAAAGGCTTTACGAAGGTTGCTCTCAGACTC-3'
Protein context (NP_009057.1, residues 291-311): EEAEKNAPAI[Ile301Val]FIDELDAIAP